The following is an entry in ClinVar:

NM_020937.4(FANCM):c.4960G>A (p.Glu1654Lys)

Gene: FANCM (FA complementation group M; plus strand). Cytogenetic location: 14q21.2.
Variant type: single nucleotide variant.
Coding change: c.4960G>A on transcript NM_020937.4 (MANE Select); coding-DNA position 4960, G replaced by A.
Protein change: p.Glu1654Lys; replaces glutamic acid 1654 with lysine.
Molecular consequence: missense variant.
Genome position (GRCh38, 1-based): chr14:45,188,982, G>A. VCF-style: chr14-45188982-G-A. GRCh37 (hg19) VCF-style: chr14-45658185-G-A.
Other names: c.4882G>A, p.Glu1628Lys (NM_001308133.2); short protein forms E1654K, E1628K.
Identifiers: ClinVar variation 4841768 (VCV004841768.1).

ClinVar aggregate classification (germline): Uncertain significance (1 of 4 stars; one submission).

Conditions:
Inborn genetic diseases. Identifiers: MedGen C0950123, MeSH D030342.

gnomAD v4.1: 15 of 1,613,784 alleles (0.00093%); highest among the groups gnomAD compares: South Asian, 0.011%; no homozygotes.

Submission:

Ambry Genetics
Classification: Uncertain significance for Inborn genetic diseases. Last evaluated: 2026-01-11. Review status: criteria provided, single submitter. Criteria: Ambry Variant Classification Scheme 2023. Collection method: clinical testing. Allele origin: germline.
Comment: The p.E1654K variant (also known as c.4960G>A), located in coding exon 20 of the FANCM gene, results from a G to A substitution at nucleotide position 4960. The glutamic acid at codon 1654 is replaced by lysine, an amino acid with similar properties. This amino acid position is conserved. In addition, this alteration is predicted to be tolerated by in silico analysis. Based on the available evidence, the clinical significance of this variant remains unclear.